The following is an entry in ClinVar:

ClinVar aggregate classification (germline): Likely pathogenic (1 of 4 stars; one submission).

Conditions:
Fanconi anemia (FA). Also called: Fanconi's anemia. Identifiers: Orphanet 84, MedGen C0015625, MeSH D005199, MONDO:0019391.

Submission:

Natera, Inc.
Classification: Likely pathogenic for Fanconi anemia. Last evaluated: 2025-02-18. Review status: criteria provided, single submitter. Criteria: Natera Variant Classification Schema (03/2026). Collection method: clinical testing. Allele origin: germline.
Comment: The c.596+1G>T variant in FANCA is a canonical splice donor site variant predicted to affect pre-mRNA splicing, which may result in an abnormal transcript and altered protein product. This variant is expected to result in nonsense mediated decay, truncation, or a dysfunctional protein product. This variant is rare in the general population with a frequency below the threshold expected for the associated phenotype(s). Given the available evidence, this variant is classified as Likely Pathogenic.

NM_000135.4(FANCA):c.596+1G>T

Gene: FANCA (FA complementation group A; minus strand). Cytogenetic location: 16q24.3.
Variant type: single nucleotide variant.
Coding change: c.596+1G>T on transcript NM_000135.4 (MANE Select); the canonical splice donor site of the intron after coding-DNA position 596, G replaced by T.
Molecular consequence: splice donor variant.
Genome position (GRCh38, 1-based): chr16:89,808,293, C>A on the plus strand (G>T on the coding strand, the complement: FANCA is on the minus strand). VCF-style: chr16-89808293-C-A. GRCh37 (hg19) VCF-style: chr16-89874701-C-A.
Other names: c.596+1G>T (NM_001286167.3, NM_001018112.3); c.500+1G>T (NM_001351830.2).
Identifiers: ClinVar variation 4068000 (VCV004068000.2).